The following is an entry in ClinVar:

NM_001009944.3(PKD1):c.9412G>T (p.Val3138Leu)

Gene: PKD1 (polycystin 1, transient receptor potential channel interacting; minus strand). Cytogenetic location: 16p13.3.
Variant type: single nucleotide variant.
Coding change: c.9412G>T on transcript NM_001009944.3 (MANE Select); coding-DNA position 9412, G replaced by T.
Protein change: p.Val3138Leu; replaces valine 3138 with leucine.
Molecular consequence: missense variant.
Genome position (GRCh38, 1-based): chr16:2,100,552, C>A on the plus strand (G>T on the coding strand, the complement: PKD1 is on the minus strand). VCF-style: chr16-2100552-C-A. GRCh37 (hg19) VCF-style: chr16-2150553-C-A.
Other names: c.9412G>T, p.Val3138Leu (NM_000296.4); short protein forms V3138L.
Identifiers: ClinVar variation 994719 (VCV000994719.6), dbSNP rs1358566538, ClinGen allele CA394356649.

ClinVar aggregate classification (germline): Uncertain significance. Review status: criteria provided, multiple submitters, no conflicts (2 of 4 stars). 3 submissions from 3 submitters: Uncertain significance (3). Last evaluated 2023-08-07.

Conditions:
Polycystic kidney disease, adult type (PKD1). Also called: Polycystic Kidney Disease 1, Autosomal Dominant; Polycystic kidney disease 1; Polycystic kidney disease 1, severe; POLYCYSTIC KIDNEY DISEASE, ADULT, TYPE I; POLYCYSTIC KIDNEY DISEASE 1 WITH OR WITHOUT POLYCYSTIC LIVER DISEASE; Polycystic Kidney, Autosomal Dominant. Identifiers: MedGen C3149841, MONDO:0008263, OMIM 173900.

Submissions (3):

Institute of Human Genetics, University of Leipzig Medical Center
Classification: Uncertain significance for Polycystic kidney disease, adult type. Last evaluated: 2023-08-07. Review status: criteria provided, single submitter. Criteria: ACMG Guidelines, 2015. Collection method: clinical testing. Allele origin: paternal. Inheritance: Autosomal dominant inheritance. Affected: yes.
Comment: Criteria applied: PM1,PM2_SUP,PP3

Fulgent Genetics
Classification: Uncertain significance for Polycystic kidney disease, adult type. Last evaluated: 2022-03-07. Review status: criteria provided, single submitter. Criteria: ACMG Guidelines, 2015. Collection method: clinical testing. Allele origin: unknown.

Athena Diagnostics
Classification: Uncertain significance. Last evaluated: 2019-08-27. Review status: criteria provided, single submitter. Criteria: Athena Diagnostics Criteria. Collection method: clinical testing. Allele origin: unknown.